The following is an entry in ClinVar:

ClinVar aggregate classification (germline): Uncertain significance. Review status: criteria provided, multiple submitters, no conflicts (2 of 4 stars). 2 submissions from 2 submitters: Uncertain significance (2). Last evaluated 2025-02-15.

Conditions:
Hereditary cancer-predisposing syndrome. Also called: Neoplastic Syndromes, Hereditary; Tumor predisposition; Hereditary neoplastic syndrome; Hereditary Cancer Syndrome. Identifiers: Orphanet 140162, MedGen C0027672, MeSH D009386, MONDO:0015356.

Allele frequency attached by ClinVar (database versions not stated): gnomAD exomes below 0.00001; TOPMed below 0.00001; ExAC 0.00001; gnomAD 0.00001.
gnomAD v4.1: 4 of 1,607,176 alleles (0.00025%); highest among the groups gnomAD compares: Non-Finnish European, 0.00034%; no homozygotes.

Submissions (2):

Labcorp Genetics (formerly Invitae), Labcorp
Classification: Uncertain significance. Last evaluated: 2025-02-15. Review status: criteria provided, single submitter. Criteria: Invitae Variant Classification Sherloc (09022015). Collection method: clinical testing. Allele origin: germline.
Comment: This sequence change replaces isoleucine, which is neutral and non-polar, with methionine, which is neutral and non-polar, at codon 265 of the MSH3 protein (p.Ile265Met). This variant is present in population databases (rs765814546, gnomAD 0.0009%). This variant has not been reported in the literature in individuals affected with MSH3-related conditions. ClinVar contains an entry for this variant (Variation ID: 827360). An algorithm developed to predict the effect of missense changes on protein structure and function (PolyPhen-2) suggests that this variant is likely to be disruptive. In summary, the available evidence is currently insufficient to determine the role of this variant in disease. Therefore, it has been classified as a Variant of Uncertain Significance.

Ambry Genetics
Classification: Uncertain significance for Hereditary cancer-predisposing syndrome. Last evaluated: 2024-09-16. Review status: criteria provided, single submitter. Criteria: Ambry Variant Classification Scheme 2023. Collection method: clinical testing. Allele origin: germline.
Comment: The p.I265M variant (also known as c.795T>G), located in coding exon 5 of the MSH3 gene, results from a T to G substitution at nucleotide position 795. The isoleucine at codon 265 is replaced by methionine, an amino acid with highly similar properties. This amino acid position is well conserved in available vertebrate species. In addition, the in silico prediction for this alteration is inconclusive. Based on the available evidence, the clinical significance of this variant remains unclear.

NM_002439.5(MSH3):c.795T>G (p.Ile265Met)

Gene: MSH3 (mutS homolog 3; plus strand). Cytogenetic location: 5q14.1.
Variant type: single nucleotide variant.
Coding change: c.795T>G on transcript NM_002439.5 (MANE Select); coding-DNA position 795, T replaced by G.
Protein change: p.Ile265Met; replaces isoleucine 265 with methionine.
Molecular consequence: missense variant.
Genome position (GRCh38, 1-based): chr5:80,672,246, T>G. VCF-style: chr5-80672246-T-G. GRCh37 (hg19) VCF-style: chr5-79968065-T-G.
Other names: short protein forms I265M.
Identifiers: ClinVar variation 827360 (VCV000827360.10), dbSNP rs765814546, ClinGen allele CA3327719.